The following is an entry in ClinVar:

NM_000426.4(LAMA2):c.2687G>A (p.Arg896Gln)

Gene: LAMA2 (laminin subunit alpha 2; plus strand). Cytogenetic location: 6q22.33.
Variant type: single nucleotide variant.
Coding change: c.2687G>A on transcript NM_000426.4 (MANE Select); coding-DNA position 2687, G replaced by A.
Protein change: p.Arg896Gln; replaces arginine 896 with glutamine.
Molecular consequence: missense variant.
Genome position (GRCh38, 1-based): chr6:129,287,996, G>A. VCF-style: chr6-129287996-G-A. GRCh37 (hg19) VCF-style: chr6-129609141-G-A.
Other names: c.2687G>A, p.Arg896Gln (NM_001079823.2); short protein forms R896Q.
Identifiers: ClinVar variation 2056417 (VCV002056417.7), dbSNP rs753890194, ClinGen allele CA3993028.

ClinVar aggregate classification (germline): Uncertain significance. Review status: criteria provided, multiple submitters, no conflicts (2 of 4 stars). 3 submissions from 3 submitters: Uncertain significance (3). Last evaluated 2024-06-19.

Conditions:
Inborn genetic diseases. Identifiers: MedGen C0950123, MeSH D030342.
LAMA2-related muscular dystrophy (LAMA2-RD). Also called: Laminin alpha 2-related dystrophy. Identifiers: MedGen C5679788, MONDO:0100228.

Allele frequency attached by ClinVar (database versions not stated): TOPMed below 0.00001; gnomAD 0.00001; ExAC 0.00002.
gnomAD v4.1: 11 of 1,613,946 alleles (0.00068%); highest among the groups gnomAD compares: East Asian, 0.0067%; no homozygotes.

Submissions (3):

Revvity Omics, Revvity
Classification: Uncertain significance. Last evaluated: 2024-06-19. Review status: criteria provided, single submitter. Criteria: ACMG Guidelines, 2015. Collection method: clinical testing. Allele origin: germline.

Labcorp Genetics (formerly Invitae), Labcorp
Classification: Uncertain significance for LAMA2-related muscular dystrophy. Last evaluated: 2024-05-16. Review status: criteria provided, single submitter. Criteria: Invitae Variant Classification Sherloc (09022015). Collection method: clinical testing. Allele origin: germline.
Comment: This sequence change replaces arginine, which is basic and polar, with glutamine, which is neutral and polar, at codon 896 of the LAMA2 protein (p.Arg896Gln). This variant is present in population databases (rs753890194, gnomAD 0.005%). This variant has not been reported in the literature in individuals affected with LAMA2-related conditions. ClinVar contains an entry for this variant (Variation ID: 2056417). Advanced modeling of protein sequence and biophysical properties (such as structural, functional, and spatial information, amino acid conservation, physicochemical variation, residue mobility, and thermodynamic stability) performed at Invitae indicates that this missense variant is not expected to disrupt LAMA2 protein function with a negative predictive value of 95%. In summary, the available evidence is currently insufficient to determine the role of this variant in disease. Therefore, it has been classified as a Variant of Uncertain Significance.

Ambry Genetics
Classification: Uncertain significance for Inborn genetic diseases. Last evaluated: 2023-06-30. Review status: criteria provided, single submitter. Criteria: Ambry Variant Classification Scheme 2023. Collection method: clinical testing. Allele origin: germline.